The following is an entry in ClinVar:

ClinVar aggregate classification (germline): Uncertain significance (1 of 4 stars; one submission).

Conditions:
Spastic paraplegia. Identifiers: MedGen C0037772, HP:0001258.

Allele frequency attached by ClinVar (database versions not stated): TOPMed below 0.00001; gnomAD 0.00001.
gnomAD v4.1: 2 of 1,602,834 alleles (0.00012%); highest among the groups gnomAD compares: Non-Finnish European, 0.000085%; no homozygotes.

Submission:

Labcorp Genetics (formerly Invitae), Labcorp
Classification: Uncertain significance for Spastic paraplegia. Last evaluated: 2022-08-31. Review status: criteria provided, single submitter. Criteria: Invitae Variant Classification Sherloc (09022015). Collection method: clinical testing. Allele origin: germline.
Comment: In summary, the available evidence is currently insufficient to determine the role of this variant in disease. Therefore, it has been classified as a Variant of Uncertain Significance. Algorithms developed to predict the effect of sequence changes on RNA splicing suggest that this variant may disrupt the consensus splice site. This variant has not been reported in the literature in individuals affected with CYP2U1-related conditions. This variant is not present in population databases (gnomAD no frequency). This sequence change affects codon 163 of the CYP2U1 mRNA. It is a 'silent' change, meaning that it does not change the encoded amino acid sequence of the CYP2U1 protein. It affects a nucleotide within the consensus splice site.

NM_183075.3(CYP2U1):c.489G>A (p.Lys163=)

Genes: CYP2U1 (cytochrome P450 family 2 subfamily U member 1; plus strand), LOC129992929 (ATAC-STARR-seq lymphoblastoid active region 21791; plus strand). Cytogenetic location: 4q25.
Variant type: single nucleotide variant.
Coding change: c.489G>A on transcript NM_183075.3 (MANE Select); coding-DNA position 489, G replaced by A.
Protein change: p.Lys163=; no amino-acid change (lysine 163 retained).
Molecular consequence: synonymous variant.
Genome position (GRCh38, 1-based): chr4:107,932,132, G>A. VCF-style: chr4-107932132-G-A. GRCh37 (hg19) VCF-style: chr4-108853288-G-A.
Identifiers: ClinVar variation 2143738 (VCV002143738.4), dbSNP rs1733018732, ClinGen allele CA440817313.
Genomic context (GRCh38, chr4:107,932,132, plus strand): 5'-GGCCGAGGTCTTCAGCGACCGCCCGCGGGTGCCGCTCATCTCCATCGTGACCAAGGAGAA[G>A]GGTGAGCGGGAGGTCGTGGGCTGTGGGTACGCGGATGCCGCGGATGAGTCTCCAGGTGCG-3'
Protein context (NP_898898.1, residues 153-173): VPLISIVTKE[Lys163=]GVVFAHYGPV